The following is an entry in ClinVar:

NM_001123385.2(BCOR):c.724G>A (p.Glu242Lys)

Genes: BCOR (BCL6 corepressor; minus strand), LOC126863239 (MED14-independent group 3 enhancer GRCh37_chrX:39932994-39934193; plus strand). Cytogenetic location: Xp11.4.
Variant type: single nucleotide variant.
Coding change: c.724G>A on transcript NM_001123385.2 (MANE Select); coding-DNA position 724, G replaced by A.
Protein change: p.Glu242Lys; replaces glutamic acid 242 with lysine.
Molecular consequence: missense variant.
Genome position (GRCh38, 1-based): chrX:40,074,622, C>T on the plus strand (G>A on the coding strand, the complement: BCOR is on the minus strand). VCF-style: chrX-40074622-C-T. GRCh37 (hg19) VCF-style: chrX-39933875-C-T.
Other names: c.724G>A, p.Glu242Lys (NM_001123383.2, NM_001123384.2, NM_017745.6); short protein forms E242K.
Identifiers: ClinVar variation 858993 (VCV000858993.11), dbSNP rs1935694930, ClinGen allele CA412748113.

ClinVar aggregate classification (germline): Uncertain significance (1 of 4 stars; one submission).

Conditions:
Oculofaciocardiodental syndrome (MCOPS2). Identifiers: Orphanet 2712, MedGen C1846265, MONDO:0010261, OMIM 300166.

Submission:

Labcorp Genetics (formerly Invitae), Labcorp
Classification: Uncertain significance for Oculofaciocardiodental syndrome. Last evaluated: 2019-12-27. Review status: criteria provided, single submitter. Criteria: Invitae Variant Classification Sherloc (09022015). Collection method: clinical testing. Allele origin: germline.
Comment: Algorithms developed to predict the effect of missense changes on protein structure and function (SIFT, PolyPhen-2, Align-GVGD) all suggest that this variant is likely to be disruptive, but these predictions have not been confirmed by published functional studies and their clinical significance is uncertain. This variant has not been reported in the literature in individuals with BCOR-related conditions. This variant is not present in population databases (ExAC no frequency). This sequence change replaces glutamic acid with lysine at codon 242 of the BCOR protein (p.Glu242Lys). The glutamic acid residue is highly conserved and there is a small physicochemical difference between glutamic acid and lysine. In summary, the available evidence is currently insufficient to determine the role of this variant in disease. Therefore, it has been classified as a Variant of Uncertain Significance.